The following is an entry in ClinVar:

ClinVar aggregate classification (germline): Likely pathogenic (1 of 4 stars; one submission).

Conditions:
Congenital lactic acidosis, Saguenay-Lac-Saint-Jean type (MC4DN5). Also called: CYTOCHROME c OXIDASE DEFICIENCY, FRENCH CANADIAN TYPE; COX DEFICIENCY, FRENCH CANADIAN TYPE; MITOCHONDRIAL COMPLEX IV DEFICIENCY, NUCLEAR TYPE 5. Identifiers: Orphanet 70472, MedGen C1857355, MONDO:0009069, OMIM 220111.

Submission:

OLLIN Analises Genomicas, OLLIN
Classification: Likely pathogenic for Congenital lactic acidosis, Saguenay-Lac-Saint-Jean type. Last evaluated: 2026-08-06. Review status: criteria provided, single submitter. Criteria: ACMG Guidelines 2015 PMID 25741868. Collection method: clinical testing. Allele origin: germline.
Comment: This variant, located at the canonical splicing site (splice acceptor), is absent from gnomAD and ClinVar and has not been identified in the literature. This variant is predicted to disrupt a canonical splice site, potentially leading to exon skipping, mRNA degradation via nonsense-mediated decay (NMD), or production of a truncated protein. According to the currently available evidence, this variant has been classified as likely pathogenic (PVS1, PM2_P).

NM_133259.4(LRPPRC):c.3986-1G>A

Gene: LRPPRC (leucine rich pentatricopeptide repeat containing; minus strand). Cytogenetic location: 2p21.
Variant type: single nucleotide variant.
Coding change: c.3986-1G>A on transcript NM_133259.4 (MANE Select); the canonical splice acceptor site of the intron before coding-DNA position 3986, G replaced by A.
Molecular consequence: splice acceptor variant.
Genome position (GRCh38, 1-based): chr2:43,889,877, C>T on the plus strand (G>A on the coding strand, the complement: LRPPRC is on the minus strand). VCF-style: chr2-43889877-C-T. GRCh37 (hg19) VCF-style: chr2-44117016-C-T.
Identifiers: ClinVar variation 5002680 (VCV005002680.1).